The following is an entry in ClinVar:

ClinVar aggregate classification (germline): Likely benign (1 of 4 stars; one submission).

Conditions:
PKD1L1-related disorder. Also called: PKD1L1-related condition.

gnomAD v4.1: 20 of 1,613,942 alleles (0.0012%); highest among the groups gnomAD compares: Middle Eastern, 0.033%; no homozygotes.

Submission:

PreventionGenetics, part of Exact Sciences
Classification: Likely benign for PKD1L1-related condition. Last evaluated: 2025-03-06. Review status: criteria provided, single submitter. Criteria: ACMG Guidelines, 2015. Collection method: clinical testing. Allele origin: germline.
Comment: This variant is classified as likely benign based on ACMG/AMP sequence variant interpretation guidelines (Richards et al. 2015 PMID: 25741868, with internal and published modifications).

NM_138295.5(PKD1L1):c.789G>A (p.Ser263=)

Gene: PKD1L1 (polycystin 1 like 1, transient receptor potential channel interacting; minus strand). Cytogenetic location: 7p12.3.
Variant type: single nucleotide variant.
Coding change: c.789G>A on transcript NM_138295.5 (MANE Select); coding-DNA position 789, G replaced by A.
Protein change: p.Ser263=; no amino-acid change (serine 263 retained).
Molecular consequence: synonymous variant.
Genome position (GRCh38, 1-based): chr7:47,929,475, C>T on the plus strand (G>A on the coding strand, the complement: PKD1L1 is on the minus strand). VCF-style: chr7-47929475-C-T. GRCh37 (hg19) VCF-style: chr7-47969072-C-T.
Identifiers: ClinVar variation 4980432 (VCV004980432.1).
Genomic context (GRCh38, chr7:47,929,475, plus strand): 5'-AGCTAGGATGGCCACAGGAGGATGCTGAGTAGGGGGATAGAGGATCTCAGAACCAGACTG[C>T]GATGCCGTGAAGCTGGGGGTGCGAGGAATGCCAGGCGGAAGGCCGTGGGAGCTGTGGGAG-3'
Protein context (NP_612152.1, residues 253-273): GIPRTPSFTA[Ser263=]QSGSEILYPP